The following is an entry in ClinVar:

NM_004655.4(AXIN2):c.1159del (p.Ser387fs)

Gene: AXIN2 (axin 2; minus strand). Cytogenetic location: 17q24.1.
Variant type: Deletion.
Coding change: c.1159del on transcript NM_004655.4 (MANE Select); coding-DNA position 1159, one base deleted (A; older notation c.1159delA).
Protein change: p.Ser387fs; shifts the reading frame from serine 387.
Molecular consequence: frameshift variant.
Genome position (GRCh38, 1-based): chr17:65,538,244, T deleted on the plus strand (A on the coding strand, the reverse complement: AXIN2 is on the minus strand). VCF-style (leftmost placement, unchanged base first): chr17-65538243-CT-C. GRCh37 (hg19) VCF-style: chr17-63534361-CT-C.
Other names: c.1159del, p.Ser387fs (NM_001363813.1); short protein forms S387fs.
Identifiers: ClinVar variation 2566100 (VCV002566100.2), dbSNP rs2483708247, ClinGen allele CA2580613227.

ClinVar aggregate classification (germline): Pathogenic (1 of 4 stars; one submission).

Conditions:
Hereditary cancer-predisposing syndrome. Also called: Neoplastic Syndromes, Hereditary; Hereditary Cancer Syndrome; Hereditary neoplastic syndrome; Tumor predisposition. Identifiers: Orphanet 140162, MedGen C0027672, MeSH D009386, MONDO:0015356.

Submission:

Ambry Genetics
Classification: Pathogenic for Hereditary cancer-predisposing syndrome. Last evaluated: 2023-03-23. Review status: criteria provided, single submitter. Criteria: Ambry Variant Classification Scheme 2023. Collection method: clinical testing. Allele origin: germline.
Comment: The c.1159delA pathogenic mutation, located in coding exon 4 of the AXIN2 gene, results from a deletion of one nucleotide at nucleotide position 1159, causing a translational frameshift with a predicted alternate stop codon (p.S387Afs*71). This alteration has been observed in at least one individual with a personal history that is consistent with oligodontia-colorectal cancer syndrome (Ambry internal data). This variant is considered to be rare based on population cohorts in the Genome Aggregation Database (gnomAD). This alteration is expected to result in loss of function by premature protein truncation or nonsense-mediated mRNA decay. As such, this alteration is interpreted as a disease-causing mutation.